The following is an entry in ClinVar:

NM_001352754.2(ARMC9):c.1027C>T (p.Arg343Cys)

Gene: ARMC9 (armadillo repeat containing 9; plus strand). Cytogenetic location: 2q37.1.
Variant type: single nucleotide variant.
Coding change: c.1027C>T on transcript NM_001352754.2 (MANE Select); coding-DNA position 1027, C replaced by T.
Protein change: p.Arg343Cys; replaces arginine 343 with cysteine.
Molecular consequence: missense variant. On other transcripts: non-coding transcript variant (1).
Genome position (GRCh38, 1-based): chr2:231,262,306, C>T. VCF-style: chr2-231262306-C-T. GRCh37 (hg19) VCF-style: chr2-232127019-C-T.
Other names: c.1027C>T, p.Arg343Cys (NM_001271466.4, NM_001291656.2, NM_001352755.2 and 3 more transcripts); c.928C>T, p.Arg310Cys (NM_001352757.2, NM_001352758.2); short protein forms R343C, R310C.
Identifiers: ClinVar variation 427932 (VCV000427932.53), dbSNP rs759799287, ClinGen allele CA2160165.

ClinVar aggregate classification (germline): Pathogenic/Likely pathogenic. Review status: criteria provided, multiple submitters, no conflicts (2 of 4 stars). 10 submissions from 9 submitters: Pathogenic (5); Likely pathogenic (1). 4 of the submissions do not count toward it. Last evaluated 2025-12-05.

Conditions:
ARMC9-related disorder. Also called: ARMC9-related condition.
Joubert syndrome 30. Identifiers: MedGen C4539937, MONDO:0033308, OMIM 617622.
Dandy-Walker syndrome (DWS). Identifiers: Orphanet 217, MedGen C0010964, MeSH D003616, MONDO:0009072, OMIM 220200.
ARMC9-related Joubert syndrome.
Joubert syndrome. Also called: Familial aplasia of the vermis; JOUBERT-BOLTSHAUSER SYNDROME. Identifiers: Orphanet 475, MedGen C5979921, MONDO:0018772.

Allele frequency attached by ClinVar (database versions not stated): gnomAD 0.00011; TOPMed 0.00018.
gnomAD v4.1: 116 of 1,613,968 alleles (0.0072%); highest among the groups gnomAD compares: Admixed American, 0.043%; no homozygotes.

Submissions (10):

Greenwood Genetic Center Diagnostic Laboratories, Greenwood Genetic Center
Classification: Pathogenic for Joubert syndrome 30. Last evaluated: 2025-12-05. Review status: criteria provided, single submitter. Criteria: ACMG Guidelines, 2015. Collection method: clinical testing. Allele origin: germline. Affected: yes.
Comment: PS1_Supporting, PS3, PM3_Very Strong, PP3

Labcorp Genetics (formerly Invitae), Labcorp
Classification: Pathogenic. Last evaluated: 2024-11-18. Review status: criteria provided, single submitter. Criteria: Invitae Variant Classification Sherloc (09022015). Collection method: clinical testing. Allele origin: germline.
Comment: This sequence change replaces arginine, which is basic and polar, with cysteine, which is neutral and slightly polar, at codon 343 of the ARMC9 protein (p.Arg343Cys). This variant is present in population databases (rs759799287, gnomAD 0.04%). This missense change has been observed in individual(s) with Joubert syndrome (PMID: 28625504). In at least one individual the data is consistent with being in trans (on the opposite chromosome) from a pathogenic variant. ClinVar contains an entry for this variant (Variation ID: 427932). Experimental studies and prediction algorithms are not available or were not evaluated, and the functional significance of this variant is currently unknown. For these reasons, this variant has been classified as Pathogenic.

Blueprint Genetics
Classification: Pathogenic for ARMC9-related disorders. Last evaluated: 2023-11-13. Review status: criteria provided, single submitter. Criteria: ACMG Guidelines, 2015. Collection method: clinical testing. Allele origin: germline. Affected: yes. Observed: 5 variant alleles.

GeneDx
Classification: Pathogenic. Last evaluated: 2023-03-12. Review status: criteria provided, single submitter. Criteria: GeneDx Variant Classification Process June 2021. Collection method: clinical testing. Allele origin: germline. Affected: yes.
Comment: Non-canonical splice site variant demonstrated to result in loss-of-function (Maddirevula et al., et al. 2020); In silico analysis supports that this missense variant has a deleterious effect on protein structure/function; Not observed at significant frequency in large population cohorts (gnomAD); This variant is associated with the following publications: (PMID: 31474318, 28625504, 32552793, 35186037, 36580738)

CeGaT Center for Human Genetics Tuebingen
Classification: Pathogenic. Last evaluated: 2021-11-01. Review status: criteria provided, single submitter. Criteria: CeGaT Center For Human Genetics Tuebingen Variant Classification Criteria Version 2. Collection method: clinical testing. Allele origin: germline. Affected: yes. Observed: 2 variant alleles.

Revvity Omics, Revvity
Classification: Likely pathogenic for Joubert syndrome 30. Last evaluated: 2019-03-11. Review status: criteria provided, single submitter. Criteria: ACMG Guidelines, 2015. Collection method: clinical testing. Allele origin: germline.

OMIM
Classification: Pathogenic for JOUBERT SYNDROME 30. Last evaluated: 2017-08-16. Review status: no assertion criteria provided. Collection method: literature only. Allele origin: germline. Not counted in ClinVar's aggregate classification.

UW Hindbrain Malformation Research Program, University of Washington
Classification: Pathogenic for ARMC9-related Joubert syndrome. Last evaluated: 2017-05-01. Review status: no assertion criteria provided. Collection method: research. Allele origin: maternal. Affected: yes. Not counted in ClinVar's aggregate classification.

University of Washington Center for Mendelian Genomics, University of Washington
Classification: Likely pathogenic for Joubert Syndrome. Review status: no assertion criteria provided. Collection method: research. Allele origin: inherited. Affected: yes. Not counted in ClinVar's aggregate classification.

University of Washington Center for Mendelian Genomics, University of Washington
Classification: Likely pathogenic for Dandy-Walker malformation. Review status: no assertion criteria provided. Collection method: research. Allele origin: inherited. Affected: yes. Not counted in ClinVar's aggregate classification.

Literature cited by the submitters: PubMed 28625504 (cited by 3 submitters); PubMed 31474318 (cited by University of Washington Center for Mendelian Genomics, University of Washington).